The following is an entry in ClinVar:

ClinVar aggregate classification (germline): Uncertain significance (1 of 4 stars; one submission).

Allele frequency attached by ClinVar (database versions not stated): gnomAD exomes 0.00001; gnomAD 0.00003 and 0.00004; TOPMed 0.00004.
gnomAD v4.1: 21 of 1,612,738 alleles (0.0013%); highest among the groups gnomAD compares: African/African-American, 0.0067%; no homozygotes.

Submission:

Labcorp Genetics (formerly Invitae), Labcorp
Classification: Uncertain significance. Last evaluated: 2025-12-22. Review status: criteria provided, single submitter. Criteria: Invitae Variant Classification Sherloc (09022015). Collection method: clinical testing. Allele origin: germline.
Comment: This sequence change replaces valine, which is neutral and non-polar, with methionine, which is neutral and non-polar, at codon 459 of the LRRC8A protein (p.Val459Met). This variant is present in population databases (no rsID available, gnomAD 0.007%). This variant has not been reported in the literature in individuals affected with LRRC8A-related conditions. ClinVar contains an entry for this variant (Variation ID: 1429041). An algorithm developed to predict the effect of missense changes on protein structure and function (PolyPhen-2) suggests that this variant is likely to be tolerated. In summary, the available evidence is currently insufficient to determine the role of this variant in disease. Therefore, it has been classified as a Variant of Uncertain Significance.

NM_019594.4(LRRC8A):c.1375G>A (p.Val459Met)

Gene: LRRC8A (leucine rich repeat containing 8 VRAC subunit A; plus strand). Cytogenetic location: 9q34.11.
Variant type: single nucleotide variant.
Coding change: c.1375G>A on transcript NM_019594.4 (MANE Select); coding-DNA position 1375, G replaced by A.
Protein change: p.Val459Met; replaces valine 459 with methionine.
Molecular consequence: missense variant.
Genome position (GRCh38, 1-based): chr9:128,908,539, G>A. VCF-style: chr9-128908539-G-A. GRCh37 (hg19) VCF-style: chr9-131670818-G-A.
Other names: c.1375G>A, p.Val459Met (NM_001127244.2, NM_001127245.2); short protein forms V459M.
Identifiers: ClinVar variation 1429041 (VCV001429041.8), dbSNP rs1252734487, ClinGen allele CA375080868.